The following is an entry in ClinVar:

ClinVar aggregate classification (germline): Uncertain significance (1 of 4 stars; one submission).

Conditions:
Myofibrillar myopathy 5. Also called: Filaminopathy (type); FILAMINOPATHY, AUTOSOMAL DOMINANT. Identifiers: Orphanet 171445, MedGen C1836050, MONDO:0012289, OMIM 609524.
Distal myopathy with posterior leg and anterior hand involvement. Also called: WILLIAMS DISTAL MYOPATHY. Identifiers: Orphanet 63273, MedGen C3279722, MONDO:0013550, OMIM 614065.
Hypertrophic cardiomyopathy 26. Also called: Cardiomyopathy, familial hypertrophic, 26. Identifiers: Orphanet 75249, MedGen C4310749, MONDO:0014883, OMIM 617047.

Submission:

Labcorp Genetics (formerly Invitae), Labcorp
Classification: Uncertain significance for Distal myopathy with posterior leg and anterior hand involvement; Myofibrillar myopathy 5; Hypertrophic cardiomyopathy 26. Last evaluated: 2023-09-03. Review status: criteria provided, single submitter. Criteria: Invitae Variant Classification Sherloc (09022015). Collection method: clinical testing. Allele origin: germline.
Comment: In summary, the available evidence is currently insufficient to determine the role of this variant in disease. Therefore, it has been classified as a Variant of Uncertain Significance. Advanced modeling of protein sequence and biophysical properties (such as structural, functional, and spatial information, amino acid conservation, physicochemical variation, residue mobility, and thermodynamic stability) has been performed at Invitae for this missense variant, however the output from this modeling did not meet the statistical confidence thresholds required to predict the impact of this variant on FLNC protein function. This variant has not been reported in the literature in individuals affected with FLNC-related conditions. This variant is not present in population databases (gnomAD no frequency). This sequence change replaces serine, which is neutral and polar, with isoleucine, which is neutral and non-polar, at codon 1431 of the FLNC protein (p.Ser1431Ile).

NM_001458.5(FLNC):c.4292G>T (p.Ser1431Ile)

Gene: FLNC (filamin C; plus strand). Cytogenetic location: 7q32.1.
Variant type: single nucleotide variant.
Coding change: c.4292G>T on transcript NM_001458.5 (MANE Select); coding-DNA position 4292, G replaced by T.
Protein change: p.Ser1431Ile; replaces serine 1431 with isoleucine.
Molecular consequence: missense variant.
Genome position (GRCh38, 1-based): chr7:128,847,700, G>T. VCF-style: chr7-128847700-G-T. GRCh37 (hg19) VCF-style: chr7-128487754-G-T.
Other names: c.4292G>T, p.Ser1431Ile (NM_001127487.2); short protein forms S1431I.
Identifiers: ClinVar variation 2934547 (VCV002934547.3), dbSNP rs2536645652, ClinGen allele CA369201053.